The following is an entry in ClinVar:

ClinVar aggregate classification (germline): Conflicting classifications of pathogenicity. Review status: criteria provided, conflicting classifications (1 of 4 stars). 3 submissions from 3 submitters: Uncertain significance (2); Likely benign (1). Last evaluated 2025-09-08.

Conditions:
POLG-related disorder. Also called: POLG-Related Spectrum Disorders; POLG-related condition; POLG-Related Disorders. Identifiers: MedGen C4763519.
Inborn genetic diseases. Identifiers: MedGen C0950123, MeSH D030342.
Progressive sclerosing poliodystrophy (MTDPS4A). Also called: ALPERS PROGRESSIVE INFANTILE POLIODYSTROPHY; Mitochondrial DNA Depletion Syndrome 4A; Alpers Syndrome; ALPERS DIFFUSE DEGENERATION OF CEREBRAL GRAY MATTER WITH HEPATIC CIRRHOSIS; Alpers-Huttenlocher Syndrome; NEURONAL DEGENERATION OF CHILDHOOD WITH LIVER DISEASE, PROGRESSIVE. Identifiers: Orphanet 726, MedGen C0205710, MONDO:0008758, OMIM 203700.

Submissions (3):

Labcorp Genetics (formerly Invitae), Labcorp
Classification: Uncertain significance for Progressive sclerosing poliodystrophy. Last evaluated: 2025-09-08. Review status: criteria provided, single submitter. Criteria: Invitae Variant Classification Sherloc (09022015). Collection method: clinical testing. Allele origin: germline.
Comment: This variant, c.138_158dup, results in the insertion of 7 amino acid(s) of the POLG protein (p.Gln49_Gln55dup), but otherwise preserves the integrity of the reading frame. This variant is not present in population databases (gnomAD no frequency). This variant has not been reported in the literature in individuals affected with POLG-related conditions. Experimental studies and prediction algorithms are not available or were not evaluated, and the functional significance of this variant is currently unknown. In summary, the available evidence is currently insufficient to determine the role of this variant in disease. Therefore, it has been classified as a Variant of Uncertain Significance.

PreventionGenetics, part of Exact Sciences
Classification: Uncertain significance for POLG-related condition. Last evaluated: 2024-12-16. Review status: criteria provided, single submitter. Criteria: ACMG Guidelines, 2015. Collection method: clinical testing. Allele origin: germline.
Comment: The POLG c.138_158dup21 variant is predicted to result in an in-frame duplication (p.Gln49_Gln55dup). To our knowledge, this variant has not been reported in the literature or in a large population database (gnomAD), indicating this variant is rare. At this time, the clinical significance of this variant is uncertain due to the absence of conclusive functional and genetic evidence.

Ambry Genetics
Classification: Likely benign for Inborn genetic diseases. Last evaluated: 2021-11-12. Review status: criteria provided, single submitter. Criteria: Ambry Variant Classification Scheme 2023. Collection method: clinical testing. Allele origin: germline.

NM_002693.3(POLG):c.126GCA[18] (p.Gln49_Gln55dup)

Genes: POLG (DNA polymerase gamma, catalytic subunit; minus strand), POLGARF (POLG alternative reading frame; minus strand). Cytogenetic location: 15q26.1.
Variant type: Microsatellite.
Coding change: c.126GCA[18] on transcript NM_002693.3 (MANE Select); 18 copies in a row of the 3-base unit GCA starting at c.126; the reference has 11 copies in a row; seven copies, 21 bases duplicated.
Protein change: p.Gln49_Gln55dup.
Molecular consequence: inframe insertion.
Genome position (GRCh38, 1-based): chr15:89,333,597-89,333,617, TGCTGCTGCTGCTGCTGCTGC duplicated on the plus strand (GCAGCAGCAGCAGCAGCAGCA on the coding strand, the reverse complement: POLG is on the minus strand); duplicating any 21 consecutive bases within chr15:89,333,597-89,333,629 gives the same sequence; the position shown is the placement nearest the transcript's 3' end. VCF-style (leftmost placement, unchanged base first): chr15-89333596-T-TTGCTGCTGCTGCTGCTGCTGC. GRCh37 (hg19) VCF-style: chr15-89876827-T-TTGCTGCTGCTGCTGCTGCTGC.
Other names: c.138_158dup21 (NM_002693.2); c.126GCA[18], p.Gln49_Gln55dup (NM_001126131.2).
Identifiers: ClinVar variation 1025609 (VCV001025609.12), dbSNP rs41550117, ClinGen allele CA972594306.